The following is an entry in ClinVar:

ClinVar aggregate classification (germline): Conflicting classifications of pathogenicity. Review status: criteria provided, conflicting classifications (1 of 4 stars). 8 submissions from 8 submitters: Pathogenic (2); Likely pathogenic (4); Uncertain significance (1). 1 of the submissions does not count toward it. Last evaluated 2026-09-15.

Conditions:
Leber congenital amaurosis (LCA). Also called: Leber's amaurosis. Identifiers: Orphanet 65, MedGen C0339527, MeSH D057130, MONDO:0018998.
CRB1-related disorder. Also called: CRB1-related disorders; CRB1-related condition.
Retinitis pigmentosa 12 (RP12). Also called: RP WITH OR WITHOUT PPRPE; RP WITH OR WITHOUT PRESERVED PARAARTERIOLE RETINAL PIGMENT EPITHELIUM; RETINITIS PIGMENTOSA WITH OR WITHOUT PARAARTERIOLAR PRESERVATION OF RETINAL PIGMENT EPITHELIUM. Identifiers: Orphanet 791, MedGen C1838647, MONDO:0010818, OMIM 600105.
Leber congenital amaurosis 8 (LCA8). Identifiers: Orphanet 65, MedGen C3151202, MONDO:0013453, OMIM 613835.
Pigmented paravenous retinochoroidal atrophy. Identifiers: Orphanet 251295, MedGen C1868310, MONDO:0008246, OMIM 172870.
Retinal disorder. Also called: Retinopathy; Retinal disorders; Retinopathies; Retinal Diseases. Identifiers: MedGen C0035309, MONDO:0005283, HP:0000488.
Retinitis pigmentosa (RP). Identifiers: Orphanet 791, MedGen C0035334, MeSH D012174, MONDO:0019200, OMIM 268000. Inheritance: Autosomal dominant, autosomal recessive and X linked inheritance.

Allele frequency attached by ClinVar (database versions not stated): gnomAD exomes below 0.00001; TOPMed 0.00003.
gnomAD v4.1: 5 of 1,613,972 alleles (0.00031%); highest among the groups gnomAD compares: South Asian, 0.0011%; no homozygotes.

Submissions (8):

Genetics Laboratory, Great Ormond Street Hospital NHS Foundation Trust, North Thames Genomic Laboratory Hub
Classification: Likely pathogenic for Retinal disorders. Last evaluated: 2026-09-15. Review status: criteria provided, single submitter. Criteria: ACGS Best Practice Guidelines for Variant Classification in Rare Disease 2024 v1.2. Collection method: clinical testing. Allele origin: germline. Affected: yes.
Comment: PM2_moderate, BP4_supporting, PP1_strong, PM3_moderate

Natera, Inc.
Classification: Likely pathogenic for Leber congenital amaurosis. Last evaluated: 2025-06-09. Review status: criteria provided, single submitter. Criteria: Natera Variant Classification Schema (03/2026). Collection method: clinical testing. Allele origin: germline.
Comment: The c.2639A>G variant in CRB1 is a missense variant predicted to cause substitution of asparagine to serine at amino acid 880. This variant is rare in the general population with a frequency below the threshold expected for the associated phenotype(s). This variant has been observed in one or more individuals affected with the associated recessive disease, as either homozygous or compound heterozygous with a second variant (PMID: 34884448, 37762234, 36819107). Computational prediction algorithms indicate this variant is likely to affect gene or protein function. Given the available evidence, this variant is classified as Likely Pathogenic.

Labcorp Genetics (formerly Invitae), Labcorp
Classification: Pathogenic for Leber congenital amaurosis 8; Retinitis pigmentosa 12. Last evaluated: 2025-03-23. Review status: criteria provided, single submitter. Criteria: Invitae Variant Classification Sherloc (09022015). Collection method: clinical testing. Allele origin: germline.
Comment: This sequence change replaces asparagine, which is neutral and polar, with serine, which is neutral and polar, at codon 880 of the CRB1 protein (p.Asn880Ser). This variant is not present in population databases (gnomAD no frequency). This missense change has been observed in individual(s) with CRB1-related conditions (PMID: 28041643, 34884448; internal data). In at least one individual the data is consistent with being in trans (on the opposite chromosome) from a pathogenic variant. ClinVar contains an entry for this variant (Variation ID: 438076). Invitae Evidence Modeling of protein sequence and biophysical properties (such as structural, functional, and spatial information, amino acid conservation, physicochemical variation, residue mobility, and thermodynamic stability) has been performed for this missense variant. However, the output from this modeling did not meet the statistical confidence thresholds required to predict the impact of this variant on CRB1 protein function. For these reasons, this variant has been classified as Pathogenic.

Fulgent Genetics
Classification: Likely pathogenic for Pigmented paravenous retinochoroidal atrophy; Retinitis pigmentosa 12; Leber congenital amaurosis 8. Last evaluated: 2024-04-17. Review status: criteria provided, single submitter. Criteria: ACMG Guidelines, 2015. Collection method: clinical testing. Allele origin: germline.

Baylor Genetics
Classification: Likely pathogenic for Leber congenital amaurosis 8. Last evaluated: 2024-02-20. Review status: criteria provided, single submitter. Criteria: ACMG Guidelines, 2015. Collection method: clinical testing. Allele origin: unknown.

Blueprint Genetics
Classification: Pathogenic for CRB1-related disorders. Last evaluated: 2022-04-25. Review status: criteria provided, single submitter. Criteria: ACMG Guidelines, 2015. Collection method: clinical testing. Allele origin: germline. Affected: yes. Observed: 2 variant alleles.

Ocular Genomics Institute, Massachusetts Eye and Ear
Classification: Uncertain significance for Retinitis pigmentosa 12. Last evaluated: 2021-04-08. Review status: criteria provided, single submitter. Criteria: ACMG Guidelines, 2015. Collection method: research. Allele origin: germline. Affected: yes.
Comment: Through a review of available evidence we were able to apply the following criteria: PM2, PP3, PM3. Based on this evidence we have classified this variant as Variant of Uncertain Significance.

NIHR Bioresource Rare Diseases, University of Cambridge
Classification: Likely pathogenic for Retinitis pigmentosa. Last evaluated: 2015-01-01. Review status: no assertion criteria provided. Collection method: research. Allele origin: unknown. Affected: yes. Observed: 1 variant allele. Not counted in ClinVar's aggregate classification.

Literature cited by the submitters: PubMed 34884448 (cited by Natera, Inc. and Labcorp Genetics (formerly Invitae), Labcorp); PubMed 37762234 (cited by Natera, Inc.); PubMed 36819107 (cited by Natera, Inc.); PubMed 28041643 (cited by 3 submitters).

NM_201253.3(CRB1):c.2639A>G (p.Asn880Ser)

Gene: CRB1 (crumbs cell polarity complex component 1; plus strand). Cytogenetic location: 1q31.3.
Variant type: single nucleotide variant.
Coding change: c.2639A>G on transcript NM_201253.3 (MANE Select); coding-DNA position 2639, A replaced by G.
Protein change: p.Asn880Ser; replaces asparagine 880 with serine.
Molecular consequence: missense variant. On other transcripts: non-coding transcript variant (2), intron variant (1).
Genome position (GRCh38, 1-based): chr1:197,427,964, A>G. VCF-style: chr1-197427964-A-G. GRCh37 (hg19) VCF-style: chr1-197397094-A-G.
Other names: c.2303A>G, p.Asn768Ser (NM_001193640.2); c.2432A>G, p.Asn811Ser (NM_001257965.2); c.2128+6008A>G (NM_001257966.2); short protein forms N880S, N811S, N768S.
Identifiers: ClinVar variation 438076 (VCV000438076.17), dbSNP rs910489135, ClinGen allele CA35901203.